The following is an entry in ClinVar:

ClinVar aggregate classification (germline): Uncertain significance. Review status: criteria provided, multiple submitters, no conflicts (2 of 4 stars). 2 submissions from 2 submitters: Uncertain significance (2). Last evaluated 2024-06-26.

Conditions:
Inborn genetic diseases. Identifiers: MedGen C0950123, MeSH D030342.

gnomAD v4.1: 40 of 1,613,776 alleles (0.0025%); highest among the groups gnomAD compares: East Asian, 0.082%; no homozygotes.

Submissions (2):

Ambry Genetics
Classification: Uncertain significance for Inborn genetic diseases. Last evaluated: 2024-06-26. Review status: criteria provided, single submitter. Criteria: Ambry Variant Classification Scheme 2023. Collection method: clinical testing. Allele origin: germline.

Labcorp Genetics (formerly Invitae), Labcorp
Classification: Uncertain significance. Last evaluated: 2022-08-23. Review status: criteria provided, single submitter. Criteria: Invitae Variant Classification Sherloc (09022015). Collection method: clinical testing. Allele origin: germline.
Comment: This sequence change replaces serine, which is neutral and polar, with tryptophan, which is neutral and slightly polar, at codon 9 of the PNPT1 protein (p.Ser9Trp). The frequency data for this variant in the population databases is considered unreliable, as metrics indicate poor data quality at this position in the gnomAD database. This variant has not been reported in the literature in individuals affected with PNPT1-related conditions. ClinVar contains an entry for this variant (Variation ID: 1409321). Advanced modeling of protein sequence and biophysical properties (such as structural, functional, and spatial information, amino acid conservation, physicochemical variation, residue mobility, and thermodynamic stability) performed at Invitae indicates that this missense variant is not expected to disrupt PNPT1 protein function. In summary, the available evidence is currently insufficient to determine the role of this variant in disease. Therefore, it has been classified as a Variant of Uncertain Significance.

NM_033109.5(PNPT1):c.26C>G (p.Ser9Trp)

Genes: PNPT1 (polyribonucleotide nucleotidyltransferase 1; minus strand), LOC129933771 (ATAC-STARR-seq lymphoblastoid active region 15786; plus strand). Cytogenetic location: 2p16.1.
Variant type: single nucleotide variant.
Coding change: c.26C>G on transcript NM_033109.5 (MANE Select); coding-DNA position 26, C replaced by G.
Protein change: p.Ser9Trp; replaces serine 9 with tryptophan.
Molecular consequence: missense variant.
Genome position (GRCh38, 1-based): chr2:55,693,798, G>C on the plus strand (C>G on the coding strand, the complement: PNPT1 is on the minus strand). VCF-style: chr2-55693798-G-C. GRCh37 (hg19) VCF-style: chr2-55920933-G-C.
Other names: c.26C>G (NM_033109.3); short protein forms S9W.
Identifiers: ClinVar variation 1409321 (VCV001409321.4), dbSNP rs542564002, ClinGen allele CA1668652.